The following is an entry in ClinVar:

ClinVar aggregate classification (germline): Uncertain significance (1 of 4 stars; one submission).

Submission:

GeneDx
Classification: Uncertain significance. Last evaluated: 2025-06-09. Review status: criteria provided, single submitter. Criteria: GeneDx Variant Classification Process June 2021. Collection method: clinical testing. Allele origin: germline. Affected: yes.
Comment: Not observed at significant frequency in large population cohorts (gnomAD); In silico analysis supports a deleterious effect on splicing; In silico analysis suggests that this missense variant does not alter protein structure/function; Has not been previously published as pathogenic or benign to our knowledge

NM_001042681.2(RERE):c.2545C>A (p.Gln849Lys)

Gene: RERE (arginine-glutamic acid dipeptide repeats; minus strand). Cytogenetic location: 1p36.23.
Variant type: single nucleotide variant.
Coding change: c.2545C>A on transcript NM_001042681.2 (MANE Select); coding-DNA position 2545, C replaced by A.
Protein change: p.Gln849Lys; replaces glutamine 849 with lysine.
Molecular consequence: missense variant.
Genome position (GRCh38, 1-based): chr1:8,360,962, G>T on the plus strand (C>A on the coding strand, the complement: RERE is on the minus strand). VCF-style: chr1-8360962-G-T. GRCh37 (hg19) VCF-style: chr1-8421022-G-T.
Other names: c.883C>A, p.Gln295Lys (NM_001042682.2); c.2545C>A, p.Gln849Lys (NM_012102.4); short protein forms Q295K, Q849K.
Identifiers: ClinVar variation 4537572 (VCV004537572.1).